The following is an entry in ClinVar:

NM_144643.4(SCLT1):c.1268A>G (p.Lys423Arg)

Gene: SCLT1 (sodium channel and clathrin linker 1; minus strand). Cytogenetic location: 4q28.2.
Variant type: single nucleotide variant.
Coding change: c.1268A>G on transcript NM_144643.4 (MANE Select); coding-DNA position 1268, A replaced by G.
Protein change: p.Lys423Arg; replaces lysine 423 with arginine.
Molecular consequence: missense variant.
Genome position (GRCh38, 1-based): chr4:128,948,521, T>C on the plus strand (A>G on the coding strand, the complement: SCLT1 is on the minus strand). VCF-style: chr4-128948521-T-C. GRCh37 (hg19) VCF-style: chr4-129869676-T-C.
Other names: c.1268A>G, p.Lys423Arg (NM_001410807.1); short protein forms K423R.
Identifiers: ClinVar variation 4991588 (VCV004991588.1).

ClinVar aggregate classification (germline): Uncertain significance (1 of 4 stars; one submission).

Conditions:
SCLT1-related disorder. Also called: SCLT1-related condition.

Submission:

PreventionGenetics, part of Exact Sciences
Classification: Uncertain significance for SCLT1-related condition. Last evaluated: 2026-01-11. Review status: criteria provided, single submitter. Criteria: ACMG Guidelines, 2015. Collection method: clinical testing. Allele origin: germline.
Comment: The SCLT1 c.1268A>G variant is predicted to result in the amino acid substitution p.Lys423Arg. To our knowledge, this variant has not been reported in the literature or in a large population database (gnomAD), indicating this variant is rare. At this time, the clinical significance of this variant is uncertain due to the absence of conclusive functional and genetic evidence.